The following is an entry in ClinVar:

NM_000059.4(BRCA2):c.9497T>A (p.Val3166Asp)

Gene: BRCA2 (BRCA2 DNA repair associated; plus strand). Cytogenetic location: 13q13.1.
Variant type: single nucleotide variant.
Coding change: c.9497T>A on transcript NM_000059.4 (MANE Select); coding-DNA position 9497, T replaced by A.
Protein change: p.Val3166Asp; replaces valine 3166 with aspartic acid.
Molecular consequence: missense variant. On other transcripts: non-coding transcript variant (1).
Genome position (GRCh38, 1-based): chr13:32,394,929, T>A. VCF-style: chr13-32394929-T-A. GRCh37 (hg19) VCF-style: chr13-32969066-T-A.
Other names: c.9401T>A, p.Val3134Asp (NM_001406719.1); c.9446T>A, p.Val3149Asp (NM_001406720.1); c.4565T>A, p.Val1522Asp (NM_001406721.1); c.3080T>A, p.Val1027Asp (NM_001406722.1); c.9497T>A, p.Val3166Asp (NM_001432077.1); short protein forms V1522D, V1027D, V3134D, V3166D, V3149D.
Identifiers: ClinVar variation 4215825 (VCV004215825.1).
Genomic context (GRCh38, chr13:32,394,929, plus strand): 5'-TTTCTGCTAGTCCAAAAGAGGGCCACTTTCAAGAGACATTCAACAAAATGAAAAATACTG[T>A]TGAGGTAAGGTTACTTTTCAGCATCACCACACATTTTGGTATTTTTCTATTTTGACAGTC-3'
Protein context (NP_000050.3, residues 3156-3176): QETFNKMKNT[Val3166Asp]ENIDILCNEA

ClinVar aggregate classification (germline): Uncertain significance (1 of 4 stars; one submission).

Conditions:
Hereditary cancer-predisposing syndrome. Also called: Hereditary Cancer Syndrome; Hereditary neoplastic syndrome; Neoplastic Syndromes, Hereditary; Tumor predisposition. Identifiers: Orphanet 140162, MedGen C0027672, MeSH D009386, MONDO:0015356.

Submission:

Ambry Genetics
Classification: Uncertain significance for Hereditary cancer-predisposing syndrome. Last evaluated: 2025-06-24. Review status: criteria provided, single submitter. Criteria: Ambry Variant Classification Scheme 2023. Collection method: clinical testing. Allele origin: germline.
Comment: The p.V3166D variant (also known as c.9497T>A), located in coding exon 24 of the BRCA2 gene, results from a T to A substitution at nucleotide position 9497. The valine at codon 3166 is replaced by aspartic acid, an amino acid with highly dissimilar properties. This amino acid position is conserved. In addition, this alteration is predicted to be deleterious by in silico analysis. Based on the available evidence, the clinical significance of this variant remains unclear.